The following is an entry in ClinVar:

NM_001199138.2(NLRC4):c.2607T>A (p.His869Gln)

Gene: NLRC4 (NLR family CARD domain containing 4; minus strand). Cytogenetic location: 2p22.3.
Variant type: single nucleotide variant.
Coding change: c.2607T>A on transcript NM_001199138.2 (MANE Select); coding-DNA position 2607, T replaced by A.
Protein change: p.His869Gln; replaces histidine 869 with glutamine.
Molecular consequence: missense variant.
Genome position (GRCh38, 1-based): chr2:32,236,254, A>T on the plus strand (T>A on the coding strand, the complement: NLRC4 is on the minus strand). VCF-style: chr2-32236254-A-T. GRCh37 (hg19) VCF-style: chr2-32461323-A-T.
Other names: c.2607T>A, p.His869Gln (NM_001199139.2, NM_021209.5); c.612T>A, p.His204Gln (NM_001302504.2); short protein forms H869Q, H204Q.
Identifiers: ClinVar variation 4790937 (VCV004790937.2).

ClinVar aggregate classification (germline): Conflicting classifications of pathogenicity. Review status: criteria provided, conflicting classifications (1 of 4 stars). 2 submissions from 2 submitters: Uncertain significance (1); Likely benign (1). Last evaluated 2025-04-17.

Conditions:
Periodic fever-infantile enterocolitis-autoinflammatory syndrome. Also called: Autoinflammation with infantile enterocolitis. Identifiers: Orphanet 436166, MedGen C4015067, MONDO:0014472, OMIM 616050.
Familial cold autoinflammatory syndrome 4 (FCAS4). Identifiers: Orphanet 47045, Orphanet 576349, MedGen C4015276, MONDO:0014498, OMIM 616115.

gnomAD v4.1: 2 of 1,599,736 alleles (0.00013%); highest among the groups gnomAD compares: East Asian, 0.0045%; no homozygotes.

Submissions (2):

Labcorp Genetics (formerly Invitae), Labcorp
Classification: Uncertain significance for Periodic fever-infantile enterocolitis-autoinflammatory syndrome; Familial cold autoinflammatory syndrome 4. Last evaluated: 2025-04-17. Review status: criteria provided, single submitter. Criteria: Invitae Variant Classification Sherloc (09022015). Collection method: clinical testing. Allele origin: germline.
Comment: This sequence change replaces histidine, which is basic and polar, with glutamine, which is neutral and polar, at codon 869 of the NLRC4 protein (p.His869Gln). This variant is present in population databases (rs773003121, gnomAD 0.01%). This variant has not been reported in the literature in individuals affected with NLRC4-related conditions. Invitae Evidence Modeling of protein sequence and biophysical properties (such as structural, functional, and spatial information, amino acid conservation, physicochemical variation, residue mobility, and thermodynamic stability) indicates that this missense variant is not expected to disrupt NLRC4 protein function with a negative predictive value of 80%. In summary, the available evidence is currently insufficient to determine the role of this variant in disease. Therefore, it has been classified as a Variant of Uncertain Significance.

Blueprint Genetics
Classification: Likely benign. Last evaluated: 2021-02-17. Review status: criteria provided, single submitter. Criteria: ACMG Guidelines, 2015. Collection method: clinical testing. Allele origin: germline.